The following is an entry in ClinVar:

ClinVar aggregate classification (germline): Uncertain significance (1 of 4 stars; one submission).

Submission:

Ambry Genetics
Classification: Uncertain significance. Last evaluated: 2025-06-21. Review status: criteria provided, single submitter. Criteria: Ambry Variant Classification Scheme 2023. Collection method: clinical testing. Allele origin: germline.
Comment: The p.G1713A variant (also known as c.5138G>C), located in coding exon 22 of the WNK2 gene, results from a G to C substitution at nucleotide position 5138. The glycine at codon 1713 is replaced by alanine, an amino acid with similar properties. This amino acid position is conserved. In addition, this alteration is predicted to be tolerated by in silico analysis. Based on the available evidence, the clinical significance of this variant remains unclear.

NM_006648.4(WNK2):c.5138G>C (p.Gly1713Ala)

Gene: WNK2 (WNK lysine deficient protein kinase 2; plus strand). Cytogenetic location: 9q22.31.
Variant type: single nucleotide variant.
Coding change: c.5138G>C on transcript NM_006648.4 (MANE Select); coding-DNA position 5138, G replaced by C.
Protein change: p.Gly1713Ala; replaces glycine 1713 with alanine.
Molecular consequence: missense variant.
Genome position (GRCh38, 1-based): chr9:93,292,603, G>C. VCF-style: chr9-93292603-G-C. GRCh37 (hg19) VCF-style: chr9-96054885-G-C.
Other names: c.5249G>C, p.Gly1750Ala (NM_001282394.3); short protein forms G1713A, G1750A.
Identifiers: ClinVar variation 4201527 (VCV004201527.1).
Genomic context (GRCh38, chr9:93,292,603, plus strand): 5'-GTGGAGAAGCTGGAGAAAGCTCGGCAGAGCCCCCGCCGAGTGACATGGGCACAGTGGGGG[G>C]CCAGGCTAGCCACCCCCAGACACTCGGCGCTCGAGCTTTGGGGTCCCCTCGGAAACGTCC-3'
Protein context (NP_006639.3, residues 1703-1723): PPPSDMGTVG[Gly1713Ala]QASHPQTLGA